The following is an entry in ClinVar:

ClinVar aggregate classification (germline): Uncertain significance (1 of 4 stars; one submission).

Submission:

GeneDx
Classification: Uncertain significance. Last evaluated: 2024-05-14. Review status: criteria provided, single submitter. Criteria: GeneDx Variant Classification Process June 2021. Collection method: clinical testing. Allele origin: germline. Affected: yes.
Comment: Identified in heart tissue from patients with complex heart malformations, including one patient with a ventricular septal defect and one patient with an atrioventricular septal defect (PMID: 15863664); Not observed at significant frequency in large population cohorts (gnomAD); In silico analysis supports that this missense variant has a deleterious effect on protein structure/function; This variant is associated with the following publications: (PMID: 15863664, 35047139)

NM_001308093.3(GATA4):c.734A>G (p.Tyr245Cys)

Gene: GATA4 (GATA binding protein 4). Cytogenetic location: 8p23.1.
Variant type: single nucleotide variant.
Coding change: c.734A>G on transcript NM_001308093.3 (MANE Select); coding-DNA position 734, A replaced by G.
Protein change: p.Tyr245Cys; replaces tyrosine 245 with cysteine.
Molecular consequence: missense variant.
Genome position (GRCh38, 1-based): chr8:11,749,033, A>G. VCF-style: chr8-11749033-A-G. GRCh37 (hg19) VCF-style: chr8-11606542-A-G.
Other names: c.113A>G, p.Tyr38Cys (NM_001308094.2, NM_001374273.1, NM_001374274.1); c.731A>G, p.Tyr244Cys (NM_002052.5); short protein forms Y244C, Y245C, Y38C.
Identifiers: ClinVar variation 3377909 (VCV003377909.1).